The following is an entry in ClinVar:

NM_001080.3(ALDH5A1):c.820G>C (p.Asp274His)

Gene: ALDH5A1 (aldehyde dehydrogenase 5 family member A1; plus strand). Cytogenetic location: 6p22.3.
Variant type: single nucleotide variant.
Coding change: c.820G>C on transcript NM_001080.3 (MANE Select); coding-DNA position 820, G replaced by C.
Protein change: p.Asp274His; replaces aspartic acid 274 with histidine.
Molecular consequence: missense variant. On other transcripts: intron variant (1).
Genome position (GRCh38, 1-based): chr6:24,515,260, G>C. VCF-style: chr6-24515260-G-C. GRCh37 (hg19) VCF-style: chr6-24515488-G-C.
Other names: c.859G>C, p.Asp287His (NM_170740.1); c.727-5141G>C (NM_001368954.1); short protein forms D274H, D287H.
Identifiers: ClinVar variation 1946871 (VCV001946871.4), dbSNP rs1759547136, ClinGen allele CA362971930.
Genomic context (GRCh38, chr6:24,515,260, plus strand): 5'-TACAATGTTATTCCCTGTTCTCGAAAGAATGCCAAGGAAGTAGGGGAGGCAATTTGTACT[G>C]ATCCTCTGGTGTCCAAAATTTCCTTTACTGGTTCAACAACTACAGGAAAGGTATGTGACT-3'
Protein context (NP_001071.1, residues 264-284): AKEVGEAICT[Asp274His]PLVSKISFTG

ClinVar aggregate classification (germline): Uncertain significance (1 of 4 stars; one submission).

Conditions:
Succinate-semialdehyde dehydrogenase deficiency (SSADHD). Also called: Succinic Semialdehyde Dehydrogenase Deficiency; SSADH DEFICIENCY; 4-HYDROXYBUTYRIC ACIDURIA; GABA METABOLIC DEFECT. Identifiers: Orphanet 22, MedGen C0268631, MONDO:0010083, OMIM 271980.

Allele frequency attached by ClinVar (database versions not stated): gnomAD 0.00001.
gnomAD v4.1: 1 of 1,613,880 alleles (0.000062%); highest among the groups gnomAD compares: Non-Finnish European, 0.000085%; no homozygotes.

Submission:

Labcorp Genetics (formerly Invitae), Labcorp
Classification: Uncertain significance for Succinate-semialdehyde dehydrogenase deficiency. Last evaluated: 2021-12-20. Review status: criteria provided, single submitter. Criteria: Invitae Variant Classification Sherloc (09022015). Collection method: clinical testing. Allele origin: germline.
Comment: In summary, the available evidence is currently insufficient to determine the role of this variant in disease. Therefore, it has been classified as a Variant of Uncertain Significance. Advanced modeling of protein sequence and biophysical properties (such as structural, functional, and spatial information, amino acid conservation, physicochemical variation, residue mobility, and thermodynamic stability) performed at Invitae indicates that this missense variant is not expected to disrupt ALDH5A1 protein function. This variant has not been reported in the literature in individuals affected with ALDH5A1-related conditions. This variant is not present in population databases (gnomAD no frequency). This sequence change replaces aspartic acid, which is acidic and polar, with histidine, which is basic and polar, at codon 274 of the ALDH5A1 protein (p.Asp274His).